The following is an entry in ClinVar:

ClinVar aggregate classification (germline): Benign/Likely benign. Review status: criteria provided, multiple submitters, no conflicts (2 of 4 stars). 5 submissions from 5 submitters: Benign (2); Likely benign (3). Last evaluated 2026-01-19.

Conditions:
DDHD2-related disorder. Also called: DDHD2-related condition.
Hereditary spastic paraplegia 54. Also called: Spastic paraplegia 54, autosomal recessive. Identifiers: Orphanet 320380, MedGen C3539495, MONDO:0014018, OMIM 615033.

Allele frequency attached by ClinVar (database versions not stated): 1000 Genomes Project 0.00200; 1000 Genomes Project 30x 0.00265; gnomAD 0.00274; ESP Exome Variant Server 0.00308; TOPMed 0.00316.
gnomAD v4.1: 815 of 1,574,170 alleles (0.052%); highest among the groups gnomAD compares: African/African-American, 1%; 4 homozygotes.

Submissions (5):

Labcorp Genetics (formerly Invitae), Labcorp
Classification: Benign for Hereditary spastic paraplegia 54. Last evaluated: 2026-01-19. Review status: criteria provided, single submitter. Criteria: Invitae Variant Classification Sherloc (09022015). Collection method: clinical testing. Allele origin: germline.

CeGaT Center for Human Genetics Tuebingen
Classification: Likely benign. Last evaluated: 2025-11-01. Review status: criteria provided, single submitter. Criteria: CeGaT Center For Human Genetics Tuebingen Variant Classification Criteria Version 2. Collection method: clinical testing. Allele origin: germline. Affected: yes. Observed: 2 variant alleles.
Comment: DDHD2: BP4, BP7, BS1

PreventionGenetics, part of Exact Sciences
Classification: Benign for DDHD2-related condition. Last evaluated: 2025-06-26. Review status: criteria provided, single submitter. Criteria: ACMG Guidelines, 2015. Collection method: clinical testing. Allele origin: germline.
Comment: This variant is classified as benign based on ACMG/AMP sequence variant interpretation guidelines (Richards et al. 2015 PMID: 25741868, with internal and published modifications).

GeneDx
Classification: Likely benign. Last evaluated: 2018-03-14. Review status: criteria provided, single submitter. Criteria: GeneDx Variant Classification (06012015). Collection method: clinical testing. Allele origin: germline. Affected: yes.
Comment: This variant is considered likely benign or benign based on one or more of the following criteria: it is a conservative change, it occurs at a poorly conserved position in the protein, it is predicted to be benign by multiple in silico algorithms, and/or has population frequency not consistent with disease.

Breakthrough Genomics
Classification: Likely benign. Review status: criteria provided, single submitter. Criteria: ACMG Guidelines, 2015. Collection method: not provided. Allele origin: germline. Inheritance: Autosomal recessive inheritance. Affected: yes.

NM_015214.3(DDHD2):c.1168C>T (p.Leu390=)

Gene: DDHD2 (DDHD domain containing 2; plus strand). Cytogenetic location: 8p11.23.
Variant type: single nucleotide variant.
Coding change: c.1168C>T on transcript NM_015214.3 (MANE Select); coding-DNA position 1168, C replaced by T.
Protein change: p.Leu390=; no amino-acid change (leucine 390 retained).
Molecular consequence: synonymous variant. On other transcripts: non-coding transcript variant (2).
Genome position (GRCh38, 1-based): chr8:38,247,755, C>T. VCF-style: chr8-38247755-C-T. GRCh37 (hg19) VCF-style: chr8-38105273-C-T.
Other names: c.1168C>T, p.Leu390= (NM_001164232.2, NM_001362911.2, NM_001362912.2 and 1 more transcripts); c.1078C>T, p.Leu360= (NM_001362913.2).
Identifiers: ClinVar variation 386289 (VCV000386289.36), dbSNP rs142190071, ClinGen allele CA4716177.